The following is an entry in ClinVar:

NM_001330311.2(DVL1):c.1044C>A (p.Thr348=)

Gene: DVL1 (dishevelled segment polarity protein 1; minus strand). Cytogenetic location: 1p36.33.
Variant type: single nucleotide variant.
Coding change: c.1044C>A on transcript NM_001330311.2 (MANE Select); coding-DNA position 1044, C replaced by A.
Protein change: p.Thr348=; no amino-acid change (threonine 348 retained).
Molecular consequence: synonymous variant.
Genome position (GRCh38, 1-based): chr1:1,339,592, G>T on the plus strand (C>A on the coding strand, the complement: DVL1 is on the minus strand). VCF-style: chr1-1339592-G-T. GRCh37 (hg19) VCF-style: chr1-1274972-G-T.
Other names: c.1044C>A, p.Thr348= (NM_004421.3).
Identifiers: ClinVar variation 4536685 (VCV004536685.1).

ClinVar aggregate classification (germline): Likely benign (1 of 4 stars; one submission).

gnomAD v4.1: 7 of 1,607,050 alleles (0.00044%); highest among the groups gnomAD compares: South Asian, 0.0055%; no homozygotes.

Submission:

Women's Health and Genetics/Laboratory Corporation of America, LabCorp
Classification: Likely benign. Last evaluated: 2025-11-14. Review status: criteria provided, single submitter. Criteria: LabCorp Variant Classification Summary - May 2015. Collection method: clinical testing. Allele origin: germline.
Comment: Variant summary: DVL1 c.1044C>A alters a conserved nucleotide resulting in a synonymous change. Consensus agreement among computation tools predict no significant impact on normal splicing. However, these predictions have yet to be confirmed by functional studies. The variant was absent in 243504 control chromosomes. The available data on variant occurrences in the general population are insufficient to allow any conclusion about variant significance. To our knowledge, no occurrence of c.1044C>A in individuals affected with DVL1-related conditions and no experimental evidence demonstrating its impact on protein function have been reported. No submitters have cited clinical-significance assessments for this variant to ClinVar. Based on the evidence outlined above, the variant was classified as likely benign.